The following is an entry in ClinVar:

NM_002300.8(LDHB):c.523A>G (p.Met175Val)

Gene: LDHB (lactate dehydrogenase B; minus strand). Cytogenetic location: 12p12.1.
Variant type: single nucleotide variant.
Coding change: c.523A>G on transcript NM_002300.8 (MANE Select); coding-DNA position 523, A replaced by G.
Protein change: p.Met175Val; replaces methionine 175 with valine.
Molecular consequence: missense variant.
Genome position (GRCh38, 1-based): chr12:21,642,024, T>C on the plus strand (A>G on the coding strand, the complement: LDHB is on the minus strand). VCF-style: chr12-21642024-T-C. GRCh37 (hg19) VCF-style: chr12-21794958-T-C.
Other names: c.523A>G, p.Met175Val (NM_001174097.3, NM_001315537.2); c.523A>G (NM_002300.7); short protein forms M175V.
Identifiers: ClinVar variation 882255 (VCV000882255.6), dbSNP rs7966339, ClinGen allele CA6480456.

ClinVar aggregate classification (germline): Uncertain significance. Review status: criteria provided, single submitter (1 of 4 stars). 2 submissions from 2 submitters: Uncertain significance (1). 1 of the submissions does not count toward it. Last evaluated 2017-04-27.

Conditions:
LDHB-related disorder. Also called: LDHB-related condition.
Glycogen storage disease due to lactate dehydrogenase H-subunit deficiency. Identifiers: Orphanet 284435, MedGen C3279904, MONDO:0013587, OMIM 614128.

Allele frequency attached by ClinVar (database versions not stated): gnomAD exomes 0.00014 and 0.00039; ExAC 0.00051; 1000 Genomes Project 30x 0.00062; 1000 Genomes Project 0.00080; gnomAD 0.00186 and 0.00203; TOPMed 0.00212; ESP Exome Variant Server 0.00223.

Submissions (2):

Illumina Laboratory Services, Illumina
Classification: Uncertain significance for Glycogen storage disease due to lactate dehydrogenase H-subunit deficiency. Last evaluated: 2017-04-27. Review status: criteria provided, single submitter. Criteria: ICSL Variant Classification Criteria 13 December 2019. Collection method: clinical testing. Allele origin: germline.

PreventionGenetics, part of Exact Sciences
Classification: Likely benign for LDHB-related condition. Last evaluated: 2019-10-28. Review status: no assertion criteria provided. Collection method: clinical testing. Allele origin: germline. Not counted in ClinVar's aggregate classification.
Comment: This variant is classified as likely benign based on ACMG/AMP sequence variant interpretation guidelines (Richards et al. 2015 PMID: 25741868, with internal and published modifications).